The following is an entry in ClinVar:

ClinVar aggregate classification (germline): Uncertain significance. Review status: criteria provided, multiple submitters, no conflicts (2 of 4 stars). 2 submissions from 2 submitters: Uncertain significance (2). Last evaluated 2023-11-28.

Conditions:
TTN-related disorder. Also called: TTN-related condition; TTN-related disease; TTN-related disorders.

Allele frequency attached by ClinVar (database versions not stated): gnomAD 0.00001; gnomAD exomes 0.00004; TOPMed 0.00006; ExAC 0.00009.
gnomAD v4.1: 24 of 1,613,128 alleles (0.0015%); highest among the groups gnomAD compares: Admixed American, 0.04%; no homozygotes.

Submissions (2):

Revvity Omics, Revvity
Classification: Uncertain significance. Last evaluated: 2023-11-28. Review status: criteria provided, single submitter. Criteria: ACMG Guidelines, 2015. Collection method: clinical testing. Allele origin: germline.

PreventionGenetics, part of Exact Sciences
Classification: Uncertain significance for TTN-related condition. Last evaluated: 2023-08-28. Review status: criteria provided, single submitter. Criteria: ACMG Guidelines, 2015. Collection method: clinical testing. Allele origin: germline.
Comment: The TTN c.57145G>A variant is predicted to result in the amino acid substitution p.Val19049Ile. To our knowledge, this variant has not been reported in the literature. This variant is reported in 0.058% of alleles in individuals of Latino descent in gnomAD. Although we suspect that this variant may be benign, at this time, the clinical significance of this variant is uncertain due to the absence of conclusive functional and genetic evidence.

NM_001267550.2(TTN):c.57145G>A (p.Val19049Ile)

Genes: TTN (titin; minus strand), TTN-AS1 (TTN antisense RNA 1; plus strand). Cytogenetic location: 2q31.2.
Variant type: single nucleotide variant.
Coding change: c.57145G>A on transcript NM_001267550.2 (MANE Select); coding-DNA position 57145, G replaced by A.
Protein change: p.Val19049Ile; replaces valine 19049 with isoleucine.
Molecular consequence: missense variant.
Genome position (GRCh38, 1-based): chr2:178,598,025, C>T on the plus strand (G>A on the coding strand, the complement: TTN is on the minus strand). VCF-style: chr2-178598025-C-T. GRCh37 (hg19) VCF-style: chr2-179462752-C-T.
Other names: c.52222G>A, p.Val17408Ile (NM_001256850.1); c.29950G>A, p.Val9984Ile (NM_003319.4); c.49441G>A, p.Val16481Ile (NM_133378.4); c.30325G>A, p.Val10109Ile (NM_133432.3); c.30526G>A, p.Val10176Ile (NM_133437.4); short protein forms V10109I, V10176I, V16481I, V17408I, V19049I, V9984I.
Identifiers: ClinVar variation 2634033 (VCV002634033.2), dbSNP rs750251277, ClinGen allele CA1993090.